The following is an entry in ClinVar:

ClinVar aggregate classification (germline): Pathogenic. Review status: criteria provided, multiple submitters, no conflicts (2 of 4 stars). 4 submissions from 4 submitters: Pathogenic (3). 1 of the submissions does not count toward it. Last evaluated 2024-06-05.

Conditions:
Retinal dystrophy. Also called: Inherited retinal dystrophy. Identifiers: Orphanet 71862, MedGen C0854723, MeSH D058499, MONDO:0019118, HP:0000556.
Retinitis pigmentosa 62 (RP62). Identifiers: Orphanet 791, MedGen C3280042, MONDO:0013611, OMIM 614181.
Retinitis pigmentosa (RP). Identifiers: Orphanet 791, MedGen C0035334, MeSH D012174, MONDO:0019200, OMIM 268000. Inheritance: Autosomal dominant, autosomal recessive and X linked inheritance.

Submissions (4):

Fulgent Genetics
Classification: Pathogenic for Retinitis pigmentosa 62. Last evaluated: 2024-06-05. Review status: criteria provided, single submitter. Criteria: ACMG Guidelines, 2015. Collection method: clinical testing. Allele origin: germline.

Labcorp Genetics (formerly Invitae), Labcorp
Classification: Pathogenic. Last evaluated: 2024-02-24. Review status: criteria provided, single submitter. Criteria: Invitae Variant Classification Sherloc (09022015). Collection method: clinical testing. Allele origin: germline.
Comment: This sequence change creates a premature translational stop signal (p.Ala114Glyfs*5) in the MAK gene. It is expected to result in an absent or disrupted protein product. Loss-of-function variants in MAK are known to be pathogenic (PMID: 21148103, 21825139, 24938718, 29781741). This variant is present in population databases (rs527236082, gnomAD 0.02%). This premature translational stop signal has been observed in individual(s) with retinitis pigmentosa (PMID: 25324289). ClinVar contains an entry for this variant (Variation ID: 143121). Algorithms developed to predict the effect of sequence changes on RNA splicing suggest that this variant may disrupt the consensus splice site. For these reasons, this variant has been classified as Pathogenic.

Dept Of Ophthalmology, Nagoya University
Classification: Pathogenic for Retinal dystrophy. Last evaluated: 2023-10-01. Review status: criteria provided, single submitter. Criteria: Submitter's publication. Collection method: research. Allele origin: germline. Affected: yes.

Department of Ophthalmology and Visual Sciences Kyoto University
Classification: Likely pathogenic for Retinitis pigmentosa. Review status: no assertion criteria provided. Collection method: not provided. Allele origin: unknown. Not counted in ClinVar's aggregate classification.
ClinVar note: Converted during submission from probable-pathogenic to Likely pathogenic.

Literature cited by the submitters: PubMed 21148103 (cited by Labcorp Genetics (formerly Invitae), Labcorp); PubMed 21825139 (cited by Labcorp Genetics (formerly Invitae), Labcorp); PubMed 24938718 (cited by Labcorp Genetics (formerly Invitae), Labcorp); PubMed 29781741 (cited by Labcorp Genetics (formerly Invitae), Labcorp); PubMed 25324289 (cited by Labcorp Genetics (formerly Invitae), Labcorp).

NM_001242957.3(MAK):c.340dup (p.Ala114fs)

Gene: MAK (male germ cell associated kinase; minus strand). Cytogenetic location: 6p24.2.
Variant type: Duplication.
Coding change: c.340dup on transcript NM_001242957.3 (MANE Select); coding-DNA position 340, one base duplicated (G; older notation c.340dupG).
Protein change: p.Ala114fs; shifts the reading frame from alanine 114.
Molecular consequence: frameshift variant. On other transcripts: non-coding transcript variant (2).
Genome position (GRCh38, 1-based): chr6:10,813,662, C duplicated on the plus strand (G on the coding strand, the reverse complement: MAK is on the minus strand); the first of 2 consecutive C bases (chr6:10,813,662-10,813,663); duplicating either gives the same sequence. VCF-style (leftmost placement, unchanged base first): chr6-10813661-G-GC. GRCh37 (hg19) VCF-style: chr6-10813894-G-GC.
Other names: c.340dupG (NM_001242957.3, NM_001242385.1); c.340dup, p.Ala114fs (NM_001242385.2, NM_005906.6); c.238dup, p.Ala80fs (NM_001377262.1); short protein forms A114fs, A80fs.
Identifiers: ClinVar variation 143121 (VCV000143121.15), dbSNP rs527236082, ClinGen allele CA270074.
Genomic context (GRCh38, chr6:10,813,661, plus strand): 5'-GTAATCTAAAGAGGTAGGGAAATTAAACTTAAAAGAAACCTACCATGTTTATGGATAAAA[G>GC]CCAGCCCTTGCAATATTTGATACATAATATTTCTGATGACTGATTCAGGGAACAACTTGT-3'